The following is an entry in ClinVar:

NM_005340.7(HINT1):c.160G>T (p.Val54Leu)

Gene: HINT1 (histidine triad nucleotide binding protein 1; minus strand). Cytogenetic location: 5q23.3.
Variant type: single nucleotide variant.
Coding change: c.160G>T on transcript NM_005340.7 (MANE Select); coding-DNA position 160, G replaced by T.
Protein change: p.Val54Leu; replaces valine 54 with leucine.
Molecular consequence: missense variant. On other transcripts: non-coding transcript variant (5).
Genome position (GRCh38, 1-based): chr5:131,162,628, C>A on the plus strand (G>T on the coding strand, the complement: HINT1 is on the minus strand). VCF-style: chr5-131162628-C-A. GRCh37 (hg19) VCF-style: chr5-130498321-C-A.
Other names: short protein forms V54L.
Identifiers: ClinVar variation 2098278 (VCV002098278.4), dbSNP rs866877166, ClinGen allele CA127815072.

ClinVar aggregate classification (germline): Uncertain significance (1 of 4 stars; one submission).

Conditions:
Autosomal recessive axonal neuropathy with neuromyotonia (NMAN). Also called: Neuromyotonia and axonal neuropathy, autosomal recessive; MYOKYMIA, MYOTONIA, AND MUSCLE WASTING; Gamstorp-Wohlfart syndrome. Identifiers: Orphanet 324442, MedGen C5700127, MONDO:0007646, OMIM 137200.

Submission:

Labcorp Genetics (formerly Invitae), Labcorp
Classification: Uncertain significance for Autosomal recessive axonal neuropathy with neuromyotonia. Last evaluated: 2022-04-12. Review status: criteria provided, single submitter. Criteria: Invitae Variant Classification Sherloc (09022015). Collection method: clinical testing. Allele origin: germline.
Comment: This sequence change replaces valine, which is neutral and non-polar, with leucine, which is neutral and non-polar, at codon 54 of the HINT1 protein (p.Val54Leu). This variant is not present in population databases (gnomAD no frequency). This missense change has been observed in individual(s) with HINT1-related conditions (PMID: 33369814). Algorithms developed to predict the effect of missense changes on protein structure and function (SIFT, PolyPhen-2, Align-GVGD) all suggest that this variant is likely to be tolerated. In summary, the available evidence is currently insufficient to determine the role of this variant in disease. Therefore, it has been classified as a Variant of Uncertain Significance.

Literature cited by the submitters: PubMed 33369814.